The following is an entry in ClinVar:

NM_001376.5(DYNC1H1):c.6539A>C (p.Glu2180Ala)

Gene: DYNC1H1 (dynein cytoplasmic 1 heavy chain 1; plus strand). Cytogenetic location: 14q32.31.
Variant type: single nucleotide variant.
Coding change: c.6539A>C on transcript NM_001376.5 (MANE Select); coding-DNA position 6539, A replaced by C.
Protein change: p.Glu2180Ala; replaces glutamic acid 2180 with alanine.
Molecular consequence: missense variant.
Genome position (GRCh38, 1-based): chr14:102,010,873, A>C. VCF-style: chr14-102010873-A-C. GRCh37 (hg19) VCF-style: chr14-102477210-A-C.
Other names: short protein forms E2180A.
Identifiers: ClinVar variation 862679 (VCV000862679.10), dbSNP rs377618857, ClinGen allele CA7352634.

ClinVar aggregate classification (germline): Conflicting classifications of pathogenicity. Review status: criteria provided, conflicting classifications (1 of 4 stars). 2 submissions from 2 submitters: Uncertain significance (1); Likely benign (1). Last evaluated 2025-10-13.

Conditions:
Charcot-Marie-Tooth disease axonal type 2O. Also called: CHARCOT-MARIE-TOOTH NEUROPATHY, AXONAL, TYPE 2O; CHARCOT-MARIE-TOOTH DISEASE, AXONAL, AUTOSOMAL DOMINANT, TYPE 2O; Charcot-Marie-Tooth Neuropathy Type 2O; Charcot-Marie-Tooth disease, axonal, type 20. Identifiers: Orphanet 284232, MedGen C3280220, MONDO:0013644, OMIM 614228.

Allele frequency attached by ClinVar (database versions not stated): gnomAD exomes below 0.00001 and 0.00001; ExAC 0.00001; gnomAD 0.00001; TOPMed 0.00001; ESP Exome Variant Server 0.00008.
gnomAD v4.1: 9 of 1,614,130 alleles (0.00056%); highest among the groups gnomAD compares: Non-Finnish European, 0.00076%; no homozygotes.

Submissions (2):

Women's Health and Genetics/Laboratory Corporation of America, LabCorp
Classification: Uncertain significance. Last evaluated: 2025-10-13. Review status: criteria provided, single submitter. Criteria: LabCorp Variant Classification Summary - May 2015. Collection method: clinical testing. Allele origin: germline.
Comment: Variant summary: DYNC1H1 c.6539A>C (p.Glu2180Ala) results in a non-conservative amino acid change in the encoded protein sequence. Algorithms developed to predict the effect of missense changes on protein structure and function are either unavailable or do not agree on the potential impact of this missense change. The variant allele was found at a frequency of 4e-06 in 251474 control chromosomes. The available data on variant occurrences in the general population are insufficient to allow any conclusion about variant significance. To our knowledge, no occurrence of c.6539A>C in individuals affected with DYNC1H1-related conditions and no experimental evidence demonstrating its impact on protein function have been reported. ClinVar contains an entry for this variant (Variation ID: 862679). Based on the evidence outlined above, the variant was classified as uncertain significance.

Labcorp Genetics (formerly Invitae), Labcorp
Classification: Likely benign for Charcot-Marie-Tooth disease axonal type 2O. Last evaluated: 2024-10-02. Review status: criteria provided, single submitter. Criteria: Invitae Variant Classification Sherloc (09022015). Collection method: clinical testing. Allele origin: germline.